The following is an entry in ClinVar:

NM_012156.2(EPB41L1):c.1330G>A (p.Glu444Lys)

Gene: EPB41L1 (erythrocyte membrane protein band 4.1 like 1; plus strand). Cytogenetic location: 20q11.23.
Variant type: single nucleotide variant.
Coding change: c.1330G>A on transcript NM_012156.2 (MANE Select); coding-DNA position 1330, G replaced by A.
Protein change: p.Glu444Lys; replaces glutamic acid 444 with lysine.
Molecular consequence: missense variant.
Genome position (GRCh38, 1-based): chr20:36,194,241, G>A. VCF-style: chr20-36194241-G-A. GRCh37 (hg19) VCF-style: chr20-34782163-G-A.
Other names: c.1144G>A, p.Glu382Lys (NM_001424380.1, NM_001424381.1, NM_001424403.1 and 13 more transcripts); c.1327G>A, p.Glu443Lys (NM_001424382.1, NM_001424385.1, NM_001424386.1 and 4 more transcripts); c.1330G>A, p.Glu444Lys (NM_001424383.1, NM_001424384.1, NM_001424387.1 and 6 more transcripts); c.1141G>A, p.Glu381Lys (NM_001424389.1, NM_001424391.1, NM_001424392.1 and 3 more transcripts); c.1237G>A, p.Glu413Lys (NM_001258330.1); short protein forms E381K, E382K, E413K, E443K, E444K.
Identifiers: ClinVar variation 3026798 (VCV003026798.22), dbSNP rs2062085591, ClinGen allele CA408924930.
Genomic context (GRCh38, chr20:36,194,241, plus strand): 5'-ATGGTTGCCTGGCTATCTCCACCCACTTCAGCAGAGTTCTCCCGCCCAGCCTCGGTCAGC[G>A]AGAACCATGATGCAGGGCCTGACGGTGACAAGCGGGATGAGGATGGCGAGTCTGGGGGGC-3'
Protein context (NP_036288.2, residues 434-454): AEFSRPASVS[Glu444Lys]NHDAGPDGDK

ClinVar aggregate classification (germline): Uncertain significance (1 of 4 stars; one submission).

Allele frequency attached by ClinVar (database versions not stated): gnomAD exomes below 0.00001; gnomAD 0.00001.
gnomAD v4.1: 8 of 1,614,008 alleles (0.0005%); highest among the groups gnomAD compares: African/African-American, 0.004%; no homozygotes.

Submission:

CeGaT Center for Human Genetics Tuebingen
Classification: Uncertain significance. Last evaluated: 2024-01-01. Review status: criteria provided, single submitter. Criteria: CeGaT Center For Human Genetics Tuebingen Variant Classification Criteria Version 2. Collection method: clinical testing. Allele origin: germline. Affected: yes. Observed: 1 variant allele.
Comment: EPB41L1: PM2, PP3